The following is an entry in ClinVar:

NC_000002.11:g.(?_215609781)_(215661851_?)dup

Gene: BARD1 (BRCA1 associated RING domain 1; minus strand). Cytogenetic location: 2q35.
Variant type: Duplication.
Identifiers: ClinVar variation 2423127 (VCV002423127.3).

ClinVar aggregate classification (germline): Likely pathogenic (1 of 4 stars; one submission).

Conditions:
Familial cancer of breast. Also called: Hereditary breast cancer; hereditary breast carcinoma; BREAST CANCER, FAMILIAL. Identifiers: Orphanet 227535, MedGen C0346153, MONDO:0016419, OMIM 114480. Disease mechanism: loss of function.

Submission:

Labcorp Genetics (formerly Invitae), Labcorp
Classification: Likely pathogenic for Familial cancer of breast. Last evaluated: 2022-10-19. Review status: criteria provided, single submitter. Criteria: Invitae Variant Classification Sherloc (09022015). Collection method: clinical testing. Allele origin: germline.
Comment: In summary, the currently available evidence indicates that the variant is pathogenic, but additional data are needed to prove that conclusively. Therefore, this variant has been classified as Likely Pathogenic. This variant has not been reported in the literature in individuals affected with BARD1-related conditions. This variant results in a copy number gain of the genomic region encompassing exon(s) 2-9 of the BARD1 gene. While the exact position of this variant cannot be determined from the data, sub-genic copy number gains are generally in tandem (PMID: 25640679). This variant is predicted to be out-of-frame, and may result in an absent or disrupted protein product. Loss-of-function variants in BARD1 are known to be pathogenic (PMID: 20077502, 21344236).

Literature cited by the submitters: PubMed 25640679; PubMed 20077502; PubMed 21344236.